The following is an entry in ClinVar:

ClinVar aggregate classification (germline): Uncertain significance (1 of 4 stars; one submission).

Allele frequency attached by ClinVar (database versions not stated): ExAC 0.00003; gnomAD 0.00003; TOPMed 0.00008.
gnomAD v4.1: 43 of 1,588,942 alleles (0.0027%); highest among the groups gnomAD compares: South Asian, 0.017%; no homozygotes.

Submission:

Labcorp Genetics (formerly Invitae), Labcorp
Classification: Uncertain significance. Last evaluated: 2024-08-29. Review status: criteria provided, single submitter. Criteria: Invitae Variant Classification Sherloc (09022015). Collection method: clinical testing. Allele origin: germline.
Comment: This sequence change falls in intron 17 of the WHSC1 gene. It does not directly change the encoded amino acid sequence of the WHSC1 protein. It affects a nucleotide within the consensus splice site. This variant is present in population databases (rs757739573, gnomAD 0.01%). This variant has not been reported in the literature in individuals affected with WHSC1-related conditions. ClinVar contains an entry for this variant (Variation ID: 1906595). Variants that disrupt the consensus splice site are a relatively common cause of aberrant splicing (PMID: 17576681, 9536098). Algorithms developed to predict the effect of sequence changes on RNA splicing suggest that this variant is not likely to affect RNA splicing. In summary, the available evidence is currently insufficient to determine the role of this variant in disease. Therefore, it has been classified as a Variant of Uncertain Significance.

Literature cited by the submitters: PubMed 17576681; PubMed 9536098.

NM_001042424.3(NSD2):c.2881+4C>T

Gene: NSD2 (nuclear receptor binding SET domain protein 2; plus strand). Cytogenetic location: 4p16.3.
Variant type: single nucleotide variant.
Coding change: c.2881+4C>T on transcript NM_001042424.3 (MANE Select); 4 bases into the intron after coding-DNA position 2881, C replaced by T.
Molecular consequence: intron variant.
Genome position (GRCh38, 1-based): chr4:1,956,192, C>T. VCF-style: chr4-1956192-C-T. GRCh37 (hg19) VCF-style: chr4-1957919-C-T.
Other names: c.2881+4C>T (NM_133330.3, NM_133331.3, NM_133335.4).
Identifiers: ClinVar variation 1906595 (VCV001906595.5), dbSNP rs757739573, ClinGen allele CA2812563.
Genomic context (GRCh38, chr4:1,956,192, plus strand): 5'-GGGACCGGGGCAGCCGCTACCAGGGGGTCAGAGGGATCGGAAGAGTCTTCAAAAACGGTA[C>T]GGAGATATTCAGATAGAGAGTGAGACAGCACTCTCGTGCATTTTCTTACCCCTAATTTCT-3'